The following is an entry in ClinVar:

NM_001378454.1(ALMS1):c.8239G>A (p.Val2747Met)

Gene: ALMS1 (ALMS1 centrosome and basal body associated protein; plus strand). Cytogenetic location: 2p13.1.
Variant type: single nucleotide variant.
Coding change: c.8239G>A on transcript NM_001378454.1 (MANE Select); coding-DNA position 8239, G replaced by A.
Protein change: p.Val2747Met; replaces valine 2747 with methionine.
Molecular consequence: missense variant.
Genome position (GRCh38, 1-based): chr2:73,490,198, G>A. VCF-style: chr2-73490198-G-A. GRCh37 (hg19) VCF-style: chr2-73717325-G-A.
Other names: c.8242G>A, p.Val2748Met (NM_015120.4); short protein forms V2747M, V2748M.
Identifiers: ClinVar variation 4989895 (VCV004989895.1).

ClinVar aggregate classification (germline): Uncertain significance (1 of 4 stars; one submission).

Conditions:
ALMS1-related disorder. Also called: ALMS1-related condition.

Submission:

PreventionGenetics, part of Exact Sciences
Classification: Uncertain significance for ALMS1-related condition. Last evaluated: 2025-04-24. Review status: criteria provided, single submitter. Criteria: ACMG Guidelines, 2015. Collection method: clinical testing. Allele origin: germline.
Comment: The ALMS1 c.8242G>A variant is predicted to result in the amino acid substitution p.Val2748Ile. To our knowledge, this variant has not been reported in the literature or in a large population database (gnomAD), indicating this variant is rare. At this time, the clinical significance of this variant is uncertain due to the absence of conclusive functional and genetic evidence.